The following is an entry in ClinVar:

ClinVar aggregate classification (germline): Conflicting classifications of pathogenicity. Review status: criteria provided, conflicting classifications (1 of 4 stars). 3 submissions from 3 submitters: Uncertain significance (1); Benign (2). Last evaluated 2025-09-10.

Conditions:
Inborn genetic diseases. Identifiers: MedGen C0950123, MeSH D030342.
Occult macular dystrophy (OCMD). Also called: OCCULT MACULAR DYSTROPHY, SUSCEPTIBILITY TO; OMD. Identifiers: Orphanet 247834, MedGen C3150833, MONDO:0013316, OMIM 613587, HP:0030636.

Allele frequency attached by ClinVar (database versions not stated): TOPMed 0.00023; 1000 Genomes Project 30x 0.00031; ESP Exome Variant Server 0.00032; 1000 Genomes Project 0.00040.

Submissions (3):

Ambry Genetics
Classification: Uncertain significance for Inborn genetic diseases. Last evaluated: 2025-09-10. Review status: criteria provided, single submitter. Criteria: Ambry Variant Classification Scheme 2023. Collection method: clinical testing. Allele origin: germline.

Blueprint Genetics
Classification: Benign. Last evaluated: 2023-09-27. Review status: criteria provided, single submitter. Criteria: ACMG Guidelines, 2015. Collection method: clinical testing. Allele origin: germline.

Illumina Laboratory Services, Illumina
Classification: Benign for Occult macular dystrophy. Last evaluated: 2018-01-13. Review status: criteria provided, single submitter. Criteria: ICSL Variant Classification Criteria 13 December 2019. Collection method: clinical testing. Allele origin: germline.
Comment: This variant was observed in the ICSL laboratory as part of a predisposition screen in an ostensibly healthy population. It had not been previously curated by ICSL or reported in the Human Gene Mutation Database (HGMD: prior to June 1st, 2018), and was therefore a candidate for classification through an automated scoring system. Utilizing variant allele frequency, disease prevalence and penetrance estimates, and inheritance mode, an automated score was calculated to assess if this variant is too frequent to cause the disease. Based on the score and internal cut-off values, a variant classified as benign is not then subjected to further curation. The score for this variant resulted in a classification of benign for this disease.

NM_178857.6(RP1L1):c.2848C>G (p.Arg950Gly)

Gene: RP1L1 (RP1 like 1). Cytogenetic location: 8p23.1.
Variant type: single nucleotide variant.
Coding change: c.2848C>G on transcript NM_178857.6 (MANE Select); coding-DNA position 2848, C replaced by G.
Protein change: p.Arg950Gly; replaces arginine 950 with glycine.
Molecular consequence: missense variant.
Genome position (GRCh38, 1-based): chr8:10,611,250, G>C on the plus strand (C>G on the coding strand, the complement: RP1L1 is on the minus strand). VCF-style: chr8-10611250-G-C. GRCh37 (hg19) VCF-style: chr8-10468760-G-C.
Other names: short protein forms R950G.
Identifiers: ClinVar variation 910302 (VCV000910302.6), dbSNP rs200245949, ClinGen allele CA4624688.